The following is an entry in ClinVar:

ClinVar aggregate classification (germline): Likely benign. Review status: criteria provided, multiple submitters, no conflicts (2 of 4 stars). 2 submissions from 2 submitters: Likely benign (2). Last evaluated 2025-10-05.

Conditions:
EPS8L2-related disorder. Also called: EPS8L2-related condition.

Allele frequency attached by ClinVar (database versions not stated): gnomAD 0.00061 and 0.00066; 1000 Genomes Project 0.00080; ESP Exome Variant Server 0.00046.
gnomAD v4.1: 157 of 1,598,654 alleles (0.0098%); highest among the groups gnomAD compares: African/African-American, 0.19%; no homozygotes.

Submissions (2):

Labcorp Genetics (formerly Invitae), Labcorp
Classification: Likely benign. Last evaluated: 2025-10-05. Review status: criteria provided, single submitter. Criteria: Invitae Variant Classification Sherloc (09022015). Collection method: clinical testing. Allele origin: germline.

PreventionGenetics, part of Exact Sciences
Classification: Likely benign for EPS8L2-related condition. Last evaluated: 2025-09-04. Review status: criteria provided, single submitter. Criteria: ACMG Guidelines, 2015. Collection method: clinical testing. Allele origin: germline.
Comment: This variant is classified as likely benign based on ACMG/AMP sequence variant interpretation guidelines (Richards et al. 2015 PMID: 25741868, with internal and published modifications).

NM_022772.4(EPS8L2):c.895+5A>G

Gene: EPS8L2 (EPS8 signaling adaptor L2; plus strand). Cytogenetic location: 11p15.5.
Variant type: single nucleotide variant.
Coding change: c.895+5A>G on transcript NM_022772.4 (MANE Select); 5 bases into the intron after coding-DNA position 895, A replaced by G.
Molecular consequence: intron variant.
Genome position (GRCh38, 1-based): chr11:721,696, A>G. VCF-style: chr11-721696-A-G. GRCh37 (hg19) VCF-style: chr11-721696-A-G.
Other names: c.895+5A>G (NM_022772.3).
Identifiers: ClinVar variation 1656554 (VCV001656554.9), dbSNP rs370435617, ClinGen allele CA5787302.